The following is an entry in ClinVar:

NM_001394565.1(ATPAF1):c.870A>G (p.Leu290=)

Gene: ATPAF1 (ATP synthase mitochondrial F1 complex assembly factor 1; minus strand). Cytogenetic location: 1p33.
Variant type: single nucleotide variant.
Coding change: c.870A>G on transcript NM_001394565.1 (MANE Select); coding-DNA position 870, A replaced by G.
Protein change: p.Leu290=; no amino-acid change (leucine 290 retained).
Molecular consequence: synonymous variant.
Genome position (GRCh38, 1-based): chr1:46,635,893, T>C on the plus strand (A>G on the coding strand, the complement: ATPAF1 is on the minus strand). VCF-style: chr1-46635893-T-C. GRCh37 (hg19) VCF-style: chr1-47101565-T-C.
Other names: c.735A>G, p.Leu245= (NM_001042546.2); c.606A>G, p.Leu202= (NM_001243728.1); c.417A>G, p.Leu139= (NM_001256418.1); c.939A>G, p.Leu313= (NM_022745.6).
Identifiers: ClinVar variation 3341547 (VCV003341547.16).

ClinVar aggregate classification (germline): Likely benign (1 of 4 stars; one submission).

gnomAD v4.1: 176 of 1,614,276 alleles (0.011%); highest among the groups gnomAD compares: Middle Eastern, 0.016%; no homozygotes.

Submission:

CeGaT Center for Human Genetics Tuebingen
Classification: Likely benign. Last evaluated: 2024-08-01. Review status: criteria provided, single submitter. Criteria: CeGaT Center For Human Genetics Tuebingen Variant Classification Criteria Version 2. Collection method: clinical testing. Allele origin: germline. Affected: yes. Observed: 1 variant allele.
Comment: ATPAF1: BP4, BP7